The following is an entry in ClinVar:

ClinVar aggregate classification (germline): Uncertain significance (1 of 4 stars; one submission).

Conditions:
Infantile spasms. Also called: Infantile spasm. Identifiers: MedGen C3887898, HP:0012469.

Allele frequency attached by ClinVar (database versions not stated): gnomAD exomes 0.00001; TOPMed below 0.00001; ExAC 0.00001.
gnomAD v4.1: 6 of 1,612,226 alleles (0.00037%); highest among the groups gnomAD compares: Admixed American, 0.005%; no homozygotes.

Submission:

Labcorp Genetics (formerly Invitae), Labcorp
Classification: Uncertain significance for Infantile spasms. Last evaluated: 2022-11-07. Review status: criteria provided, single submitter. Criteria: Invitae Variant Classification Sherloc (09022015). Collection method: clinical testing. Allele origin: germline.
Comment: Algorithms developed to predict the effect of missense changes on protein structure and function are either unavailable or do not agree on the potential impact of this missense change (SIFT: "Deleterious"; PolyPhen-2: "Probably Damaging"; Align-GVGD: "Class C15"). In summary, the available evidence is currently insufficient to determine the role of this variant in disease. Therefore, it has been classified as a Variant of Uncertain Significance. This variant has not been reported in the literature in individuals affected with PIK3AP1-related conditions. This variant is present in population databases (rs780929861, gnomAD no frequency). This sequence change replaces asparagine, which is neutral and polar, with isoleucine, which is neutral and non-polar, at codon 568 of the PIK3AP1 protein (p.Asn568Ile).

NM_152309.3(PIK3AP1):c.1703A>T (p.Asn568Ile)

Gene: PIK3AP1 (phosphoinositide-3-kinase adaptor protein 1; minus strand). Cytogenetic location: 10q24.1.
Variant type: single nucleotide variant.
Coding change: c.1703A>T on transcript NM_152309.3 (MANE Select); coding-DNA position 1703, A replaced by T.
Protein change: p.Asn568Ile; replaces asparagine 568 with isoleucine.
Molecular consequence: missense variant.
Genome position (GRCh38, 1-based): chr10:96,623,504, T>A on the plus strand (A>T on the coding strand, the complement: PIK3AP1 is on the minus strand). VCF-style: chr10-96623504-T-A. GRCh37 (hg19) VCF-style: chr10-98383261-T-A.
Other names: short protein forms N568I.
Identifiers: ClinVar variation 2045882 (VCV002045882.4), dbSNP rs780929861, ClinGen allele CA5626185.